The following is an entry in ClinVar:

ClinVar aggregate classification (germline): Likely pathogenic. Review status: criteria provided, multiple submitters, no conflicts (2 of 4 stars). 2 submissions from 2 submitters: Likely pathogenic (2). Last evaluated 2021-09-27.

Conditions:
SLC25A46-related disorder. Also called: SLC25A46-related condition.
Neuropathy, hereditary motor and sensory, type 6B (HMSN6B). Also called: HMSN VIB; CHARCOT-MARIE-TOOTH DISEASE, TYPE 6B; NEUROPATHY, HEREDITARY MOTOR AND SENSORY, TYPE VIB, WITH OPTIC ATROPHY; Neuropathy, hereditary motor and sensory, type VIB. Identifiers: MedGen C4225302, MONDO:0014671, OMIM 616505.
Pontocerebellar hypoplasia, type 1E. Identifiers: MedGen C5543328, MONDO:0030260, OMIM 619303.

Allele frequency attached by ClinVar (database versions not stated): gnomAD exomes below 0.00001.
gnomAD v4.1: 6 of 1,613,052 alleles (0.00037%); highest among the groups gnomAD compares: Non-Finnish European, 0.00051%; no homozygotes.

Submissions (2):

Greenwood Genetic Center Diagnostic Laboratories, Greenwood Genetic Center
Classification: Likely pathogenic for Neuropathy, hereditary motor and sensory, type 6B; Pontocerebellar hypoplasia, type 1E. Last evaluated: 2021-09-27. Review status: criteria provided, single submitter. Criteria: ACMG Guidelines, 2015. Collection method: clinical testing. Allele origin: germline. Affected: yes.
Comment: PVS1, PM2

Blueprint Genetics
Classification: Likely pathogenic for SLC25A46-related disorders. Last evaluated: 2020-10-28. Review status: criteria provided, single submitter. Criteria: ACMG Guidelines, 2015. Collection method: clinical testing. Allele origin: germline. Affected: yes. Observed: 1 variant allele.

NM_138773.4(SLC25A46):c.479G>A (p.Trp160Ter)

Gene: SLC25A46 (solute carrier family 25 member 46; plus strand). Cytogenetic location: 5q22.1.
Variant type: single nucleotide variant.
Coding change: c.479G>A on transcript NM_138773.4 (MANE Select); coding-DNA position 479, G replaced by A.
Protein change: p.Trp160Ter; replaces tryptophan 160 with a stop codon.
Molecular consequence: nonsense. On other transcripts: non-coding transcript variant (1).
Genome position (GRCh38, 1-based): chr5:110,748,179, G>A. VCF-style: chr5-110748179-G-A. GRCh37 (hg19) VCF-style: chr5-110083880-G-A.
Other names: c.479G>A, p.Trp160Ter (NM_001303249.3); c.206G>A, p.Trp69Ter (NM_001303250.3); short protein forms W160*, W69*.
Identifiers: ClinVar variation 1334589 (VCV001334589.5), dbSNP rs1561602892, ClinGen allele CA360694884.